The following is an entry in ClinVar:

NM_020812.4(DOCK6):c.4433G>A (p.Arg1478His)

Genes: DOCK6 (dedicator of cytokinesis 6; minus strand), DOCK6-AS1 (DOCK6 antisense RNA 1; plus strand). Cytogenetic location: 19p13.2.
Variant type: single nucleotide variant.
Coding change: c.4433G>A on transcript NM_020812.4 (MANE Select); coding-DNA position 4433, G replaced by A.
Protein change: p.Arg1478His; replaces arginine 1478 with histidine.
Molecular consequence: missense variant.
Genome position (GRCh38, 1-based): chr19:11,213,234, C>T on the plus strand (G>A on the coding strand, the complement: DOCK6 is on the minus strand). VCF-style: chr19-11213234-C-T. GRCh37 (hg19) VCF-style: chr19-11323910-C-T.
Other names: c.4538G>A, p.Arg1513His (NM_001367830.1); c.4433G>A (NM_020812.2); short protein forms R1478H, R1513H.
Identifiers: ClinVar variation 1903721 (VCV001903721.6), dbSNP rs776844030, ClinGen allele CA9206860.

ClinVar aggregate classification (germline): Uncertain significance. Review status: criteria provided, multiple submitters, no conflicts (2 of 4 stars). 2 submissions from 2 submitters: Uncertain significance (2). Last evaluated 2025-08-08.

Conditions:
Inborn genetic diseases. Identifiers: MedGen C0950123, MeSH D030342.

Allele frequency attached by ClinVar (database versions not stated): TOPMed below 0.00001; gnomAD 0.00001; gnomAD exomes 0.00001; ExAC 0.00003.
gnomAD v4.1: 15 of 1,613,198 alleles (0.00093%); highest among the groups gnomAD compares: South Asian, 0.0077%; no homozygotes.

Submissions (2):

Ambry Genetics
Classification: Uncertain significance for Inborn genetic diseases. Last evaluated: 2025-08-08. Review status: criteria provided, single submitter. Criteria: Ambry Variant Classification Scheme 2023. Collection method: clinical testing. Allele origin: germline.

Labcorp Genetics (formerly Invitae), Labcorp
Classification: Uncertain significance. Last evaluated: 2022-09-07. Review status: criteria provided, single submitter. Criteria: Invitae Variant Classification Sherloc (09022015). Collection method: clinical testing. Allele origin: germline.
Comment: In summary, the available evidence is currently insufficient to determine the role of this variant in disease. Therefore, it has been classified as a Variant of Uncertain Significance. Algorithms developed to predict the effect of missense changes on protein structure and function are either unavailable or do not agree on the potential impact of this missense change (SIFT: "Deleterious"; PolyPhen-2: "Possibly Damaging"; Align-GVGD: "Class C0"). This sequence change replaces arginine, which is basic and polar, with histidine, which is basic and polar, at codon 1478 of the DOCK6 protein (p.Arg1478His). This variant is present in population databases (rs776844030, gnomAD 0.006%). This variant has not been reported in the literature in individuals affected with DOCK6-related conditions.